The following is an entry in ClinVar:

ClinVar aggregate classification (germline): Uncertain significance. Review status: criteria provided, multiple submitters, no conflicts (2 of 4 stars). 5 submissions from 2 submitters: Uncertain significance (5). Last evaluated 2023-06-28.

Conditions:
MYH7-related skeletal myopathy. Also called: Myopathy, distal, 1; MYOPATHY, DISTAL, EARLY-ONSET, AUTOSOMAL DOMINANT; MYOPATHY, LATE DISTAL HEREDITARY; Laing distal myopathy; Laing early-onset distal myopathy. Identifiers: Orphanet 59135, MedGen C4552004, MONDO:0008050, OMIM 160500.
Dilated cardiomyopathy 1S (CMD1S). Identifiers: Orphanet 154, Orphanet 54260, MedGen C1834481, MONDO:0013262, OMIM 613426.
Myosin storage myopathy (CMYO7A). Also called: MYOPATHY, HYALINE BODY, AUTOSOMAL DOMINANT; Scapuloperoneal myopathy, MYH7-related; MYOPATHY WITH LYSIS OF TYPE I MYOFIBRILS; SCAPULOPERONEAL MUSCULAR DYSTROPHY; SCAPULOPERONEAL SYNDROME, MYOPATHIC TYPE; MYH7-related late-onset scapuloperoneal muscular dystrophy. Identifiers: Orphanet 437572, Orphanet 636965, MedGen C1842160, MONDO:0008409, OMIM 608358.
Hypertrophic cardiomyopathy 1 (CMH1). Also called: Familial hypertrophic cardiomyopathy 1; MYH7-Related Familial Hypertrophic Cardiomyopathy. Identifiers: MedGen C3495498, MONDO:0008647, OMIM 192600.
Cardiomyopathy (CMYO). Also called: Cardiomyopathies. Identifiers: Orphanet 167848, MedGen C0878544, MONDO:0004994, HP:0001638. Inheritance: Various modes of inheritance.

Allele frequency attached by ClinVar (database versions not stated): TOPMed below 0.00001.

Submissions (5):

All of Us Research Program, National Institutes of Health
Classification: Uncertain significance for Cardiomyopathy. Last evaluated: 2023-06-28. Review status: criteria provided, single submitter. Criteria: ACMG Guidelines, 2015. Collection method: clinical testing. Allele origin: germline. Inheritance: Autosomal dominant inheritance. Observed: 2 variant alleles, 2 heterozygotes.
Comment: This missense variant replaces threonine with arginine at codon 979 of the MYH7 protein. Computational prediction suggests that this variant may have deleterious impact on protein structure and function (internally defined REVEL score threshold >= 0.7, PMID: 27666373). To our knowledge, functional studies have not been reported for this variant. This variant has not been reported in individuals affected with cardiovascular disorders in the literature. This variant has not been identified in the general population by the Genome Aggregation Database (gnomAD). The available evidence is insufficient to determine the role of this variant in disease conclusively. Therefore, this variant is classified as a Variant of Uncertain Significance.

This study involves interpretation of variants in research participants for the purpose of population health screening. Participant phenotype was not available at the time of variant classification. Additional details can be found in publication PMID: 35346344, PMCID: PMC8962531

Illumina Laboratory Services, Illumina
Classification: Uncertain significance for Dilated cardiomyopathy 1S. Last evaluated: 2018-01-13. Review status: criteria provided, single submitter. Criteria: ICSL Variant Classification Criteria 13 December 2019. Collection method: clinical testing. Allele origin: germline.

Illumina Laboratory Services, Illumina
Classification: Uncertain significance for Myosin storage myopathy. Last evaluated: 2018-01-13. Review status: criteria provided, single submitter. Criteria: ICSL Variant Classification Criteria 13 December 2019. Collection method: clinical testing. Allele origin: germline.

Illumina Laboratory Services, Illumina
Classification: Uncertain significance for Hypertrophic cardiomyopathy 1. Last evaluated: 2018-01-13. Review status: criteria provided, single submitter. Criteria: ICSL Variant Classification Criteria 13 December 2019. Collection method: clinical testing. Allele origin: germline.

Illumina Laboratory Services, Illumina
Classification: Uncertain significance for MYH7-related skeletal myopathy. Last evaluated: 2018-01-13. Review status: criteria provided, single submitter. Criteria: ICSL Variant Classification Criteria 13 December 2019. Collection method: clinical testing. Allele origin: germline.

NM_000257.4(MYH7):c.2936C>G (p.Thr979Arg)

Gene: MYH7 (myosin heavy chain 7; minus strand). Cytogenetic location: 14q11.2.
Variant type: single nucleotide variant.
Coding change: c.2936C>G on transcript NM_000257.4 (MANE Select); coding-DNA position 2936, C replaced by G.
Protein change: p.Thr979Arg; replaces threonine 979 with arginine.
Molecular consequence: missense variant.
Genome position (GRCh38, 1-based): chr14:23,423,710, G>C on the plus strand (C>G on the coding strand, the complement: MYH7 is on the minus strand). VCF-style: chr14-23423710-G-C. GRCh37 (hg19) VCF-style: chr14-23892919-G-C.
Other names: c.2936C>G (LRG_384t1); short protein forms T979R.
Identifiers: ClinVar variation 312906 (VCV000312906.8), dbSNP rs886050421, ClinGen allele CA10643997.